The following is an entry in ClinVar:

ClinVar aggregate classification (germline): Uncertain significance (1 of 4 stars; one submission).

Conditions:
Cardiac arrhythmia. Also called: Arrhythmia; Cardiac rhythm disease. Identifiers: MedGen C0003811, MONDO:0007263, HP:0011675.

Submission:

Color Diagnostics, LLC DBA Color Health
Classification: Uncertain significance for Cardiac arrhythmia. Last evaluated: 2024-03-06. Review status: criteria provided, single submitter. Criteria: ACMG Guidelines, 2015. Collection method: clinical testing. Allele origin: germline.
Comment: This missense variant replaces alanine with glycine at codon 763 of the KCNH2 protein. Computational prediction suggests that this variant may have deleterious impact on protein structure and function (internally defined REVEL score threshold >= 0.7, PMID: 27666373). To our knowledge, functional studies have not been reported for this variant. This variant has not been reported in individuals affected with cardiovascular disorders in the literature. This variant has not been identified in the general population by the Genome Aggregation Database (gnomAD). The available evidence is insufficient to determine the role of this variant in disease conclusively. Therefore, this variant is classified as a Variant of Uncertain Significance.

NM_000238.4(KCNH2):c.2288C>G (p.Ala763Gly)

Gene: KCNH2 (potassium voltage-gated channel subfamily H member 2; minus strand). Cytogenetic location: 7q36.1.
Variant type: single nucleotide variant.
Coding change: c.2288C>G on transcript NM_000238.4 (MANE Select); coding-DNA position 2288, C replaced by G.
Protein change: p.Ala763Gly; replaces alanine 763 with glycine.
Molecular consequence: missense variant. On other transcripts: non-coding transcript variant (2).
Genome position (GRCh38, 1-based): chr7:150,950,278, G>C on the plus strand (C>G on the coding strand, the complement: KCNH2 is on the minus strand). VCF-style: chr7-150950278-G-C. GRCh37 (hg19) VCF-style: chr7-150647366-G-C.
Other names: c.1268C>G, p.Ala423Gly (NM_172057.3, NM_001204798.2); c.2000C>G, p.Ala667Gly (NM_001406753.1, NM_001406756.1); c.2111C>G, p.Ala704Gly (NM_001406755.1); c.1988C>G, p.Ala663Gly (NM_001406757.1); c.2288C>G, p.Ala763Gly (NM_172056.3); short protein forms A704G, A423G, A667G, A763G, A663G.
Identifiers: ClinVar variation 2773439 (VCV002773439.2), dbSNP rs1284504770, ClinGen allele CA369856277.